The following is an entry in ClinVar:

ClinVar aggregate classification (germline): Uncertain significance (1 of 4 stars; one submission).

Allele frequency attached by ClinVar (database versions not stated): gnomAD 0.00001; gnomAD exomes 0.00001; TOPMed 0.00002.
gnomAD v4.1: 13 of 1,613,824 alleles (0.00081%); highest among the groups gnomAD compares: Non-Finnish European, 0.0011%; no homozygotes.

Submission:

Labcorp Genetics (formerly Invitae), Labcorp
Classification: Uncertain significance. Last evaluated: 2021-08-02. Review status: criteria provided, single submitter. Criteria: Invitae Variant Classification Sherloc (09022015). Collection method: clinical testing. Allele origin: germline.
Comment: This sequence change replaces alanine with threonine at codon 1166 of the POLR3A protein (p.Ala1166Thr). The alanine residue is weakly conserved and there is a small physicochemical difference between alanine and threonine. This variant is not present in population databases (ExAC no frequency). This variant has not been reported in the literature in individuals affected with POLR3A-related conditions. Algorithms developed to predict the effect of missense changes on protein structure and function (SIFT, PolyPhen-2, Align-GVGD) all suggest that this variant is likely to be tolerated. In summary, the available evidence is currently insufficient to determine the role of this variant in disease. Therefore, it has been classified as a Variant of Uncertain Significance.

NM_007055.4(POLR3A):c.3496G>A (p.Ala1166Thr)

Gene: POLR3A (RNA polymerase III subunit A; minus strand). Cytogenetic location: 10q22.3.
Variant type: single nucleotide variant.
Coding change: c.3496G>A on transcript NM_007055.4 (MANE Select); coding-DNA position 3496, G replaced by A.
Protein change: p.Ala1166Thr; replaces alanine 1166 with threonine.
Molecular consequence: missense variant.
Genome position (GRCh38, 1-based): chr10:77,982,751, C>T on the plus strand (G>A on the coding strand, the complement: POLR3A is on the minus strand). VCF-style: chr10-77982751-C-T. GRCh37 (hg19) VCF-style: chr10-79742509-C-T.
Other names: short protein forms A1166T.
Identifiers: ClinVar variation 1472638 (VCV001472638.3), dbSNP rs962900905, ClinGen allele CA210189159.